The following is an entry in ClinVar:

ClinVar aggregate classification (germline): Uncertain significance. Review status: criteria provided, multiple submitters, no conflicts (2 of 4 stars). 2 submissions from 2 submitters: Uncertain significance (2). Last evaluated 2024-09-17.

Conditions:
Inborn genetic diseases. Identifiers: MedGen C0950123, MeSH D030342.

gnomAD v4.1: 7 of 1,614,124 alleles (0.00043%); highest among the groups gnomAD compares: Non-Finnish European, 0.00059%; no homozygotes.

Submissions (2):

Ambry Genetics
Classification: Uncertain significance for Inborn genetic diseases. Last evaluated: 2024-09-17. Review status: criteria provided, single submitter. Criteria: Ambry Variant Classification Scheme 2023. Collection method: clinical testing. Allele origin: germline.
Comment: The p.N89K variant (also known as c.267C>G), located in coding exon 3 of the GCDH gene, results from a C to G substitution at nucleotide position 267. The asparagine at codon 89 is replaced by lysine, an amino acid with similar properties. This amino acid position is conserved. In addition, this alteration is predicted to be tolerated by in silico analysis. Based on the available evidence, the clinical significance of this variant remains unclear.

GeneDx
Classification: Uncertain significance. Last evaluated: 2023-11-16. Review status: criteria provided, single submitter. Criteria: GeneDx Variant Classification Process June 2021. Collection method: clinical testing. Allele origin: germline. Affected: yes.
Comment: Has not been previously published as pathogenic or benign to our knowledge; Not observed at significant frequency in large population cohorts (gnomAD); In silico analysis supports that this missense variant does not alter protein structure/function

NM_000159.4(GCDH):c.267C>G (p.Asn89Lys)

Gene: GCDH (glutaryl-CoA dehydrogenase; plus strand). Cytogenetic location: 19p13.13.
Variant type: single nucleotide variant.
Coding change: c.267C>G on transcript NM_000159.4 (MANE Select); coding-DNA position 267, C replaced by G.
Protein change: p.Asn89Lys; replaces asparagine 89 with lysine.
Molecular consequence: missense variant. On other transcripts: non-coding transcript variant (2).
Genome position (GRCh38, 1-based): chr19:12,891,970, C>G. VCF-style: chr19-12891970-C-G. GRCh37 (hg19) VCF-style: chr19-13002784-C-G.
Other names: c.267C>G, p.Asn89Lys (NM_013976.5); short protein forms N89K.
Identifiers: ClinVar variation 3364463 (VCV003364463.2).